The following is an entry in ClinVar:

NM_173728.4(ARHGEF15):c.2459G>A (p.Arg820His)

Gene: ARHGEF15 (Rho guanine nucleotide exchange factor 15; plus strand). Cytogenetic location: 17p13.1.
Variant type: single nucleotide variant.
Coding change: c.2459G>A on transcript NM_173728.4 (MANE Select); coding-DNA position 2459, G replaced by A.
Protein change: p.Arg820His; replaces arginine 820 with histidine.
Molecular consequence: missense variant.
Genome position (GRCh38, 1-based): chr17:8,320,926, G>A. VCF-style: chr17-8320926-G-A. GRCh37 (hg19) VCF-style: chr17-8224244-G-A.
Other names: c.2459G>A, p.Arg820His (NM_025014.2); short protein forms R820H.
Identifiers: ClinVar variation 1365560 (VCV001365560.9), dbSNP rs1431506674, ClinGen allele CA398026066.

ClinVar aggregate classification (germline): Uncertain significance (1 of 4 stars; one submission).

Conditions:
Early-infantile DEE. Also called: Early infantile epileptic encephalopathy with suppression bursts; Early infantile epileptic encephalopathy; Ohtahara syndrome. Identifiers: Orphanet 1934, MedGen C0393706, MONDO:0800491.

Allele frequency attached by ClinVar (database versions not stated): gnomAD exomes 0.00001.

Submission:

Labcorp Genetics (formerly Invitae), Labcorp
Classification: Uncertain significance for Early-infantile DEE. Last evaluated: 2025-03-17. Review status: criteria provided, single submitter. Criteria: Invitae Variant Classification Sherloc (09022015). Collection method: clinical testing. Allele origin: germline.
Comment: This sequence change replaces arginine, which is basic and polar, with histidine, which is basic and polar, at codon 820 of the ARHGEF15 protein (p.Arg820His). This variant is not present in population databases (gnomAD no frequency). This variant has not been reported in the literature in individuals affected with ARHGEF15-related conditions. ClinVar contains an entry for this variant (Variation ID: 1365560). An algorithm developed to predict the effect of missense changes on protein structure and function (PolyPhen-2) suggests that this variant is likely to be disruptive. In summary, the available evidence is currently insufficient to determine the role of this variant in disease. Therefore, it has been classified as a Variant of Uncertain Significance.